The following is an entry in ClinVar:

NM_004341.5(CAD):c.2362G>T (p.Val788Leu)

Genes: CAD (carbamoyl-phosphate synthetase 2, aspartate transcarbamylase, and dihydroorotase; plus strand), LOC126806171 (BRD4-independent group 4 enhancer GRCh37_chr2:27454350-27455549; plus strand). Cytogenetic location: 2p23.3.
Variant type: single nucleotide variant.
Coding change: c.2362G>T on transcript NM_004341.5 (MANE Select); coding-DNA position 2362, G replaced by T.
Protein change: p.Val788Leu; replaces valine 788 with leucine.
Molecular consequence: missense variant.
Genome position (GRCh38, 1-based): chr2:27,231,542, G>T. VCF-style: chr2-27231542-G-T. GRCh37 (hg19) VCF-style: chr2-27454410-G-T.
Other names: c.2173G>T, p.Val725Leu (NM_001306079.2); short protein forms V788L, V725L.
Identifiers: ClinVar variation 1416064 (VCV001416064.5), dbSNP rs769393245, ClinGen allele CA1572988.

ClinVar aggregate classification (germline): Uncertain significance (1 of 4 stars; one submission).

Allele frequency attached by ClinVar (database versions not stated): gnomAD exomes 0.00002; ExAC 0.00003.
gnomAD v4.1: 6 of 1,613,772 alleles (0.00037%); highest among the groups gnomAD compares: Admixed American, 0.01%; no homozygotes.

Submission:

Labcorp Genetics (formerly Invitae), Labcorp
Classification: Uncertain significance. Last evaluated: 2021-08-27. Review status: criteria provided, single submitter. Criteria: Invitae Variant Classification Sherloc (09022015). Collection method: clinical testing. Allele origin: germline.
Comment: This sequence change replaces valine with leucine at codon 788 of the CAD protein (p.Val788Leu). The valine residue is moderately conserved and there is a small physicochemical difference between valine and leucine. This variant is present in population databases (rs769393245, ExAC 0.03%). This variant has not been reported in the literature in individuals affected with CAD-related conditions. Algorithms developed to predict the effect of missense changes on protein structure and function (SIFT, PolyPhen-2, Align-GVGD) all suggest that this variant is likely to be tolerated. In summary, the available evidence is currently insufficient to determine the role of this variant in disease. Therefore, it has been classified as a Variant of Uncertain Significance.